The following is an entry in ClinVar:

NM_018451.5(CPAP):c.2693-2A>G

Gene: CPAP (centrosome assembly and centriole elongation protein; minus strand). Cytogenetic location: 13q12.13.
Variant type: single nucleotide variant.
Coding change: c.2693-2A>G on transcript NM_018451.5 (MANE Select); the canonical splice acceptor site of the intron before coding-DNA position 2693, A replaced by G.
Molecular consequence: splice acceptor variant.
Genome position (GRCh38, 1-based): chr13:24,904,060, T>C on the plus strand (A>G on the coding strand, the complement: CPAP is on the minus strand). VCF-style: chr13-24904060-T-C. GRCh37 (hg19) VCF-style: chr13-25478198-T-C.
Identifiers: ClinVar variation 1954962 (VCV001954962.6), dbSNP rs768331750, ClinGen allele CA6919533.

ClinVar aggregate classification (germline): Likely pathogenic. Review status: criteria provided, multiple submitters, no conflicts (2 of 4 stars). 2 submissions from 2 submitters: Likely pathogenic (2). Last evaluated 2025-01-20.

Conditions:
CENPJ-related disorder. Also called: CENPJ-related condition; CENPJ-related disorders.

Allele frequency attached by ClinVar (database versions not stated): ExAC 0.00001; gnomAD exomes 0.00001.
gnomAD v4.1: 11 of 1,613,784 alleles (0.00068%); highest among the groups gnomAD compares: Non-Finnish European, 0.00093%; no homozygotes.

Submissions (2):

Labcorp Genetics (formerly Invitae), Labcorp
Classification: Likely pathogenic. Last evaluated: 2025-01-20. Review status: criteria provided, single submitter. Criteria: Invitae Variant Classification Sherloc (09022015). Collection method: clinical testing. Allele origin: germline.
Comment: This sequence change affects an acceptor splice site in intron 7 of the CENPJ gene. It is expected to disrupt RNA splicing. Variants that disrupt the donor or acceptor splice site typically lead to a loss of protein function (PMID: 16199547), and loss-of-function variants in CENPJ are known to be pathogenic (PMID: 15793586, 16900296, 20522431). This variant is present in population databases (rs768331750, gnomAD 0.0009%). This variant has not been reported in the literature in individuals affected with CENPJ-related conditions. ClinVar contains an entry for this variant (Variation ID: 1954962). Algorithms developed to predict the effect of sequence changes on RNA splicing suggest that this variant may disrupt the consensus splice site. In summary, the currently available evidence indicates that the variant is pathogenic, but additional data are needed to prove that conclusively. Therefore, this variant has been classified as Likely Pathogenic.

Blueprint Genetics
Classification: Likely pathogenic for CENPJ-related disorders. Last evaluated: 2024-05-24. Review status: criteria provided, single submitter. Criteria: ACMG Guidelines, 2015. Collection method: clinical testing. Allele origin: germline. Affected: yes. Observed: 5 variant alleles.

Literature cited by the submitters: PubMed 16199547 (cited by Labcorp Genetics (formerly Invitae), Labcorp); PubMed 15793586 (cited by Labcorp Genetics (formerly Invitae), Labcorp); PubMed 16900296 (cited by Labcorp Genetics (formerly Invitae), Labcorp); PubMed 20522431 (cited by Labcorp Genetics (formerly Invitae), Labcorp).